The following is an entry in ClinVar:

ClinVar aggregate classification (germline): Uncertain significance (1 of 4 stars; one submission).

Conditions:
Developmental and epileptic encephalopathy, 32 (DEE32). Also called: Epileptic encephalopathy, early infantile, 32. Identifiers: Orphanet 442835, MedGen C4225350, MONDO:0014607, OMIM 616366.

Submission:

Labcorp Genetics (formerly Invitae), Labcorp
Classification: Uncertain significance for Developmental and epileptic encephalopathy, 32. Last evaluated: 2022-10-13. Review status: criteria provided, single submitter. Criteria: Invitae Variant Classification Sherloc (09022015). Collection method: clinical testing. Allele origin: germline.
Comment: This variant has not been reported in the literature in individuals affected with KCNA2-related conditions. This variant is not present in population databases (gnomAD no frequency). This sequence change replaces cysteine, which is neutral and slightly polar, with tyrosine, which is neutral and polar, at codon 244 of the KCNA2 protein (p.Cys244Tyr). In summary, the available evidence is currently insufficient to determine the role of this variant in disease. Therefore, it has been classified as a Variant of Uncertain Significance. Advanced modeling of protein sequence and biophysical properties (such as structural, functional, and spatial information, amino acid conservation, physicochemical variation, residue mobility, and thermodynamic stability) performed at Invitae indicates that this missense variant is expected to disrupt KCNA2 protein function. ClinVar contains an entry for this variant (Variation ID: 1469100).

NM_004974.4(KCNA2):c.731G>A (p.Cys244Tyr)

Gene: KCNA2 (potassium voltage-gated channel subfamily A member 2; minus strand). Cytogenetic location: 1p13.3.
Variant type: single nucleotide variant.
Coding change: c.731G>A on transcript NM_004974.4 (MANE Select); coding-DNA position 731, G replaced by A.
Protein change: p.Cys244Tyr; replaces cysteine 244 with tyrosine.
Molecular consequence: missense variant.
Genome position (GRCh38, 1-based): chr1:110,604,052, C>T on the plus strand (G>A on the coding strand, the complement: KCNA2 is on the minus strand). VCF-style: chr1-110604052-C-T. GRCh37 (hg19) VCF-style: chr1-111146674-C-T.
Other names: c.731G>A, p.Cys244Tyr (NM_001204269.2); short protein forms C244Y.
Identifiers: ClinVar variation 1469100 (VCV001469100.8), dbSNP rs2101399724, ClinGen allele CA341603329.
Genomic context (GRCh38, chr1:110,604,052, plus strand): 5'-ATGATGGCCACAATGTCAATGATGTTCATGATGTTGGTGAAGAAGCCGGCTTTGCTGGGA[C>T]AGGCAAAGAACCTCACCAAGAATTCAAAGGAGAACCAGATGATGCAGAGTGTCTCTACAA-3'
Protein context (NP_004965.1, residues 234-254): SFEFLVRFFA[Cys244Tyr]PSKAGFFTNI